The following is an entry in ClinVar:

NM_000051.4(ATM):c.4493_4497del (p.Leu1498fs)

Gene: ATM (ATM serine/threonine kinase; plus strand). Cytogenetic location: 11q22.3.
Variant type: Deletion.
Coding change: c.4493_4497del on transcript NM_000051.4 (MANE Select); coding-DNA positions 4493 to 4497, 5 bases deleted (TAAGT; older notation c.4493_4497delTAAGT).
Protein change: p.Leu1498fs; shifts the reading frame from leucine 1498.
Molecular consequence: frameshift variant.
Genome position (GRCh38, 1-based): chr11:108,292,675-108,292,679, TAAGT deleted; deleting any 5 consecutive bases within chr11:108,292,674-108,292,679 gives the same sequence; the c. name uses the placement nearest the transcript's 3' end. VCF-style (leftmost placement, unchanged base first): chr11-108292673-ATTAAG-A. GRCh37 (hg19) VCF-style: chr11-108163400-ATTAAG-A.
Other names: c.4493_4497delTAAGT, p.Leu1498Serfs (NM_000051.3); c.4493_4497del, p.Leu1498fs (NM_001351834.2); c.4493_4497del (NM_000051.3); short protein forms L1498fs.
Identifiers: ClinVar variation 1740982 (VCV001740982.4), dbSNP rs2546924717, ClinGen allele CA2580083258.

ClinVar aggregate classification (germline): Pathogenic/Likely pathogenic. Review status: criteria provided, multiple submitters, no conflicts (2 of 4 stars). 4 submissions from 4 submitters: Pathogenic (3); Likely pathogenic (1). Last evaluated 2025-12-26.

Conditions:
Hereditary cancer-predisposing syndrome. Also called: Neoplastic Syndromes, Hereditary; Tumor predisposition; Hereditary Cancer Syndrome; Hereditary neoplastic syndrome. Identifiers: Orphanet 140162, MedGen C0027672, MeSH D009386, MONDO:0015356.
Familial cancer of breast. Also called: BREAST CANCER, FAMILIAL; Hereditary breast cancer; hereditary breast carcinoma. Identifiers: Orphanet 227535, MedGen C0346153, MONDO:0016419, OMIM 114480. Disease mechanism: loss of function.
Ataxia-telangiectasia syndrome (AT). Also called: LOUIS-BAR SYNDROME; Cerebello-oculocutaneous telangiectasia; Immunodeficiency with ataxia telangiectasia; Ataxia-telangiectasia, complementation group D; AT, COMPLEMENTATION GROUP C; ATAXIA-TELANGIECTASIA, COMPLEMENTATION GROUP A. Identifiers: Orphanet 100, MedGen C0004135, MONDO:0008840, OMIM 208900.

Submissions (4):

Natera, Inc.
Classification: Likely pathogenic for Ataxia-telangiectasia. Last evaluated: 2025-12-26. Review status: criteria provided, single submitter. Criteria: Natera Variant Classification Schema (03/2026). Collection method: clinical testing. Allele origin: germline.
Comment: The c.4493_4497del variant in ATM is a frameshift variant predicted to shift the reading frame beginning at codon 1498 and leads to a stop codon 11 codons downstream. This variant is expected to result in nonsense mediated decay, truncation, or a dysfunctional protein product. This variant is rare in the general population with a frequency below the threshold expected for the associated phenotype(s). Given the available evidence, this variant is classified as Likely Pathogenic.

Myriad Genetics, Inc.
Classification: Pathogenic for Familial cancer of breast. Last evaluated: 2024-01-24. Review status: criteria provided, single submitter. Criteria: Myriad Autosomal Dominant, Autosomal Recessive and X-Linked Classification Criteria (2023). Collection method: clinical testing. Allele origin: unknown.
Comment: This variant is considered pathogenic. This variant creates a frameshift predicted to result in premature protein truncation.

Illumina Laboratory Services, Illumina
Classification: Pathogenic for Ataxia-telangiectasia syndrome. Last evaluated: 2023-10-26. Review status: criteria provided, single submitter. Criteria: ICSLVariantClassificationCriteria RUGD 01 April 2020. Collection method: clinical testing. Allele origin: unknown.
Comment: The ATM c.4493_4497del p.(Leu1498SerfsTer11) variant causes a shift in the protein reading frame that is predicted to result in premature termination of the protein. Loss of normal protein function through either protein truncation or nonsense-mediated mRNA decay is expected. To our knowledge, this variant has not been reported in the peer-reviewed literature. This variant is not observed in version 2.1.1 or version 3.1.2 of the Genome Aggregation Database. Based on the available evidence, the c.4493_4497del p.(Leu1498SerfsTer11) variant is classified as pathogenic for ataxia-telangiectasia.

Ambry Genetics
Classification: Pathogenic for Hereditary cancer-predisposing syndrome. Last evaluated: 2021-08-30. Review status: criteria provided, single submitter. Criteria: Ambry Variant Classification Scheme 2023. Collection method: clinical testing. Allele origin: germline.
Comment: The c.4493_4497delTAAGT pathogenic mutation, located in coding exon 29 of the ATM gene, results from a deletion of 5 nucleotides at nucleotide positions 4493 to 4497, causing a translational frameshift with a predicted alternate stop codon (p.L1498Sfs*11). This alteration is expected to result in loss of function by premature protein truncation or nonsense-mediated mRNA decay. As such, this alteration is interpreted as a disease-causing mutation.